The following is an entry in ClinVar:

ClinVar aggregate classification (germline): Likely pathogenic (1 of 4 stars; one submission).

Submission:

Labcorp Genetics (formerly Invitae), Labcorp
Classification: Likely pathogenic. Last evaluated: 2026-01-06. Review status: criteria provided, single submitter. Criteria: Invitae Variant Classification Sherloc (09022015). Collection method: clinical testing. Allele origin: germline.
Comment: This sequence change affects an acceptor splice site in intron 106 of the COL7A1 gene. It is expected to disrupt splicing. Variants that disrupt the donor or acceptor splice site typically lead to a loss of protein function (PMID: 16199547), and loss-of-function variants in COL7A1 are known to be disease-causing for autosomal recessive dystrophic epidermolysis bullosa (PMID: 16971478). However, certain variants affecting donor or acceptor splice sites in the triple helical domain of COL7A1 are expected to result in in-frame exon skipping and have been reported to cause autosomal dominant dystrophic epidermolysis bullosa (PMID: 31670143). This variant is not present in population databases (gnomAD no frequency). Disruption of this splice site has been observed in individuals with autosomal recessive dystrophic epidermolysis bullosa (PMID: 9326325, 20184583). Studies have shown that disruption of this splice site is associated with altered splicing resulting in multiple RNA products (PMID: 9326325). In summary, the currently available evidence indicates that the variant is pathogenic, but additional data are needed to prove that conclusively. Therefore, this variant has been classified as Likely Pathogenic.

Literature cited by the submitters: PubMed 16199547; PubMed 16971478; PubMed 31670143; PubMed 9326325; PubMed 20184583.

NM_000094.4(COL7A1):c.7930-1G>T

Gene: COL7A1 (collagen type VII alpha 1 chain; minus strand). Cytogenetic location: 3p21.31.
Variant type: single nucleotide variant.
Coding change: c.7930-1G>T on transcript NM_000094.4 (MANE Select); the canonical splice acceptor site of the intron before coding-DNA position 7930, G replaced by T.
Molecular consequence: splice acceptor variant.
Genome position (GRCh38, 1-based): chr3:48,567,764, C>A on the plus strand (G>T on the coding strand, the complement: COL7A1 is on the minus strand). VCF-style: chr3-48567764-C-A. GRCh37 (hg19) VCF-style: chr3-48605197-C-A.
Identifiers: ClinVar variation 4731321 (VCV004731321.1).